The following is an entry in ClinVar:

ClinVar aggregate classification (germline): Uncertain significance. Review status: criteria provided, multiple submitters, no conflicts (2 of 4 stars). 2 submissions from 2 submitters: Uncertain significance (2). Last evaluated 2025-12-22.

Allele frequency attached by ClinVar (database versions not stated): gnomAD exomes 0.00005 and 0.00013; ExAC 0.00014; 1000 Genomes Project 30x 0.00016; 1000 Genomes Project 0.00020; ESP Exome Variant Server 0.00023; gnomAD 0.00042 and 0.00044; TOPMed 0.00048.

Submissions (2):

Labcorp Genetics (formerly Invitae), Labcorp
Classification: Uncertain significance. Last evaluated: 2025-12-22. Review status: criteria provided, single submitter. Criteria: Invitae Variant Classification Sherloc (09022015). Collection method: clinical testing. Allele origin: germline.
Comment: This sequence change replaces arginine, which is basic and polar, with tryptophan, which is neutral and slightly polar, at codon 409 of the CARD8 protein (p.Arg409Trp). This variant is present in population databases (rs150504639, gnomAD 0.1%), and has an allele count higher than expected for a pathogenic variant. This variant has not been reported in the literature in individuals affected with CARD8-related conditions. ClinVar contains an entry for this variant (Variation ID: 1446292). An algorithm developed to predict the effect of missense changes on protein structure and function (PolyPhen-2) suggests that this variant is likely to be disruptive. In summary, the available evidence is currently insufficient to determine the role of this variant in disease. Therefore, it has been classified as a Variant of Uncertain Significance.

Ambry Genetics
Classification: Uncertain significance. Last evaluated: 2021-09-01. Review status: criteria provided, single submitter. Criteria: Ambry Variant Classification Scheme 2023. Collection method: clinical testing. Allele origin: germline.

NM_001184900.3(CARD8):c.1375C>T (p.Arg459Trp)

Gene: CARD8 (caspase recruitment domain family member 8; minus strand). Cytogenetic location: 19q13.33.
Variant type: single nucleotide variant.
Coding change: c.1375C>T on transcript NM_001184900.3 (MANE Select); coding-DNA position 1375, C replaced by T.
Protein change: p.Arg459Trp; replaces arginine 459 with tryptophan.
Molecular consequence: missense variant. On other transcripts: 3 prime UTR variant (7), non-coding transcript variant (3), intron variant (1).
Genome position (GRCh38, 1-based): chr19:48,211,949, G>A on the plus strand (C>T on the coding strand, the complement: CARD8 is on the minus strand). VCF-style: chr19-48211949-G-A. GRCh37 (hg19) VCF-style: chr19-48715206-G-A.
Other names: c.1375C>T (NM_001184900.1); c.1225C>T, p.Arg409Trp (NM_001184901.1, NM_001351783.2, NM_014959.5); c.*54C>T (NM_001184902.2, NM_001184903.1, NM_001351788.2 and 4 more transcripts); c.1375C>T, p.Arg459Trp (NM_001351782.2); c.1060C>T, p.Arg354Trp (NM_001351784.2); c.1039C>T, p.Arg347Trp (NM_001351786.2); c.1057C>T, p.Arg353Trp (NM_001365950.1); c.1033+3391C>T (NM_001351787.2); short protein forms R353W, R409W, R459W, R347W, R354W.
Identifiers: ClinVar variation 1446292 (VCV001446292.9), dbSNP rs150504639, ClinGen allele CA9547704.